The following is an entry in ClinVar:

NM_000535.7(PMS2):c.1971_1974del (p.Asn657fs)

Gene: PMS2 (PMS1 homolog 2, mismatch repair system component; minus strand). Cytogenetic location: 7p22.1.
Variant type: Deletion.
Coding change: c.1971_1974del on transcript NM_000535.7 (MANE Select); coding-DNA positions 1971 to 1974, 4 bases deleted (TCAA; older notation c.1971_1974delTCAA).
Protein change: p.Asn657fs; shifts the reading frame from asparagine 657.
Molecular consequence: frameshift variant. On other transcripts: non-coding transcript variant (1), intron variant (1).
Genome position (GRCh38, 1-based): chr7:5,986,791-5,986,794, TTGA deleted on the plus strand (TCAA on the coding strand, the reverse complement: PMS2 is on the minus strand); deleting any 4 consecutive bases within chr7:5,986,791-5,986,796 gives the same sequence; the c. name uses the placement nearest the transcript's 3' end. VCF-style (leftmost placement, unchanged base first): chr7-5986790-CTTGA-C. GRCh37 (hg19) VCF-style: chr7-6026421-CTTGA-C.
Other names: c.1653_1656del, p.Asn551fs (NM_001406883.1, NM_001406903.1, NM_001322007.2 and 2 more transcripts); c.1647_1650del, p.Asn549fs (NM_001406884.1); c.1635_1638del, p.Asn545fs (NM_001406885.1); c.1605_1608del, p.Asn535fs (NM_001406886.1); c.1566_1569del, p.Asn522fs (NM_001406887.1, NM_001406888.1, NM_001406889.1 and 16 more transcripts); c.1506_1509del, p.Asn502fs (NM_001406900.1); c.1497_1500del, p.Asn499fs (NM_001406901.1, NM_001406902.1); c.1458_1461del, p.Asn486fs (NM_001406904.1, NM_001406905.1); and 14 more; short protein forms N502fs, N535fs, N554fs, N621fs, N719fs, N466fs, N522fs, N601fs.
Identifiers: ClinVar variation 3421526 (VCV003421526.1).

ClinVar aggregate classification (germline): Pathogenic (1 of 4 stars; one submission).

Conditions:
Hereditary cancer-predisposing syndrome. Also called: Neoplastic Syndromes, Hereditary; Tumor predisposition; Hereditary Cancer Syndrome; Hereditary neoplastic syndrome. Identifiers: Orphanet 140162, MedGen C0027672, MeSH D009386, MONDO:0015356.

Submission:

Ambry Genetics
Classification: Pathogenic for Hereditary cancer-predisposing syndrome. Last evaluated: 2024-11-13. Review status: criteria provided, single submitter. Criteria: Ambry Variant Classification Scheme 2023. Collection method: clinical testing. Allele origin: germline.
Comment: The c.1971_1974delTCAA pathogenic mutation, located in coding exon 11 of the PMS2 gene, results from a deletion of 4 nucleotides at nucleotide positions 1971 to 1974, causing a translational frameshift with a predicted alternate stop codon (p.N657Kfs*7). This variant is considered to be rare based on population cohorts in the Genome Aggregation Database (gnomAD). This alteration is expected to result in loss of function by premature protein truncation or nonsense-mediated mRNA decay. As such, this alteration is interpreted as a disease-causing mutation.